The following is an entry in ClinVar:

NM_032228.6(FAR1):c.844G>A (p.Val282Ile)

Gene: FAR1 (fatty acyl-CoA reductase 1; plus strand). Cytogenetic location: 11p15.3.
Variant type: single nucleotide variant.
Coding change: c.844G>A on transcript NM_032228.6 (MANE Select); coding-DNA position 844, G replaced by A.
Protein change: p.Val282Ile; replaces valine 282 with isoleucine.
Molecular consequence: missense variant.
Genome position (GRCh38, 1-based): chr11:13,712,003, G>A. VCF-style: chr11-13712003-G-A. GRCh37 (hg19) VCF-style: chr11-13733550-G-A.
Other names: short protein forms V282I.
Identifiers: ClinVar variation 1511199 (VCV001511199.9), dbSNP rs142127632, ClinGen allele CA5893399.
Genomic context (GRCh38, chr11:13,712,003, plus strand): 5'-CTTCGAACAATACGTGCCTCCAACAATGCCCTTGCAGATCTTGTTCCTGTAGATGTAGTT[G>A]TCAACATGAGTCTTGCGGCAGCCTGGTATTCCGGAGTTAATAGGTATATGAGGTGACAAT-3'
Protein context (NP_115604.1, residues 272-292): LADLVPVDVV[Val282Ile]NMSLAAAWYS

ClinVar aggregate classification (germline): Uncertain significance. Review status: criteria provided, multiple submitters, no conflicts (2 of 4 stars). 2 submissions from 2 submitters: Uncertain significance (2). Last evaluated 2025-08-15.

Allele frequency attached by ClinVar (database versions not stated): TOPMed 0.00004; ExAC 0.00005; gnomAD 0.00005 and 0.00006; gnomAD exomes 0.00006; ESP Exome Variant Server 0.00008.
gnomAD v4.1: 92 of 1,613,232 alleles (0.0057%); highest among the groups gnomAD compares: Middle Eastern, 0.033%; no homozygotes.

Submissions (2):

Labcorp Genetics (formerly Invitae), Labcorp
Classification: Uncertain significance. Last evaluated: 2025-08-15. Review status: criteria provided, single submitter. Criteria: Invitae Variant Classification Sherloc (09022015). Collection method: clinical testing. Allele origin: germline.
Comment: This sequence change replaces valine, which is neutral and non-polar, with isoleucine, which is neutral and non-polar, at codon 282 of the FAR1 protein (p.Val282Ile). This variant is present in population databases (rs142127632, gnomAD 0.02%). This variant has not been reported in the literature in individuals affected with FAR1-related conditions. ClinVar contains an entry for this variant (Variation ID: 1511199). Invitae Evidence Modeling of protein sequence and biophysical properties (such as structural, functional, and spatial information, amino acid conservation, physicochemical variation, residue mobility, and thermodynamic stability) indicates that this missense variant is not expected to disrupt FAR1 protein function with a negative predictive value of 80%. In summary, the available evidence is currently insufficient to determine the role of this variant in disease. Therefore, it has been classified as a Variant of Uncertain Significance.

Blueprint Genetics
Classification: Uncertain significance. Last evaluated: 2024-10-17. Review status: criteria provided, single submitter. Criteria: ACMG Guidelines, 2015. Collection method: clinical testing. Allele origin: germline.